The following is an entry in ClinVar:

ClinVar aggregate classification (germline): Uncertain significance (1 of 4 stars; one submission).

Conditions:
PLEC-related disorder. Also called: PLEC-related condition; PLEC-related disorders.

Submission:

PreventionGenetics, part of Exact Sciences
Classification: Uncertain significance for PLEC-related condition. Last evaluated: 2023-09-14. Review status: criteria provided, single submitter. Criteria: ACMG Guidelines, 2015. Collection method: clinical testing. Allele origin: germline.
Comment: The PLEC c.1341G>C variant is predicted to result in the amino acid substitution p.Gln447His. To our knowledge, this variant has not been reported in the literature or in a large population database, indicating this variant is rare. At this time, the clinical significance of this variant is uncertain due to the absence of conclusive functional and genetic evidence.

NM_201384.3(PLEC):c.1260G>C (p.Gln420His)

Genes: PLEC (plectin; minus strand), LOC130001334 (ATAC-STARR-seq lymphoblastoid silent region 19628; plus strand). Cytogenetic location: 8q24.3.
Variant type: single nucleotide variant.
Coding change: c.1260G>C on transcript NM_201384.3 (MANE Select); coding-DNA position 1260, G replaced by C.
Protein change: p.Gln420His; replaces glutamine 420 with histidine.
Molecular consequence: missense variant.
Genome position (GRCh38, 1-based): chr8:143,934,001, C>G on the plus strand (G>C on the coding strand, the complement: PLEC is on the minus strand). VCF-style: chr8-143934001-C-G. GRCh37 (hg19) VCF-style: chr8-145008169-C-G.
Other names: c.1341G>C, p.Gln447His (NM_000445.5, NM_001410941.1); c.1218G>C, p.Gln406His (NM_201378.4); c.1194G>C, p.Gln398His (NM_201379.3); c.1671G>C, p.Gln557His (NM_201380.4); c.1164G>C, p.Gln388His (NM_201381.3); c.1260G>C, p.Gln420His (NM_201382.4); c.1272G>C, p.Gln424His (NM_201383.3); short protein forms Q388H, Q398H, Q406H, Q420H, Q424H, Q447H, Q557H.
Identifiers: ClinVar variation 2631049 (VCV002631049.1), dbSNP rs2538946656, ClinGen allele CA372583817.